The following is an entry in ClinVar:

NM_007194.4(CHEK2):c.787G>C (p.Glu263Gln)

Gene: CHEK2 (checkpoint kinase 2; minus strand). Cytogenetic location: 22q12.1.
Variant type: single nucleotide variant.
Coding change: c.787G>C on transcript NM_007194.4 (MANE Select); coding-DNA position 787, G replaced by C.
Protein change: p.Glu263Gln; replaces glutamic acid 263 with glutamine.
Molecular consequence: missense variant.
Genome position (GRCh38, 1-based): chr22:28,711,914, C>G on the plus strand (G>C on the coding strand, the complement: CHEK2 is on the minus strand). VCF-style: chr22-28711914-C-G. GRCh37 (hg19) VCF-style: chr22-29107902-C-G.
Other names: p.E263Q:GAG>CAG; c.916G>C, p.Glu306Gln (NM_001005735.3); c.124G>C, p.Glu42Gln (NM_001257387.3); c.586G>C, p.Glu196Gln (NM_001349956.3); c.787G>C, p.Glu263Gln (NM_145862.3); short protein forms E263Q, E196Q, E306Q, E42Q.
Identifiers: ClinVar variation 182429 (VCV000182429.25), dbSNP rs730881686, ClinGen allele CA299071.

ClinVar aggregate classification (germline): Uncertain significance. Review status: criteria provided, multiple submitters, no conflicts (2 of 4 stars). 6 submissions from 6 submitters: Uncertain significance (6). Last evaluated 2025-09-11.

Conditions:
Hereditary cancer-predisposing syndrome. Also called: Tumor predisposition; Hereditary Cancer Syndrome; Hereditary neoplastic syndrome; Neoplastic Syndromes, Hereditary. Identifiers: Orphanet 140162, MedGen C0027672, MeSH D009386, MONDO:0015356.
Familial cancer of breast. Also called: BREAST CANCER, FAMILIAL; Hereditary breast cancer; hereditary breast carcinoma. Identifiers: Orphanet 227535, MedGen C0346153, MONDO:0016419, OMIM 114480. Disease mechanism: loss of function.

Allele frequency attached by ClinVar (database versions not stated): ExAC 0.00001; gnomAD 0.00001; gnomAD exomes 0.00001; TOPMed 0.00001.
gnomAD v4.1: 5 of 1,608,174 alleles (0.00031%); highest among the groups gnomAD compares: South Asian, 0.0011%; no homozygotes.

Submissions (6):

Color Diagnostics, LLC DBA Color Health
Classification: Uncertain significance for Hereditary cancer-predisposing syndrome. Last evaluated: 2025-09-11. Review status: criteria provided, single submitter. Criteria: ACMG Guidelines, 2015. Collection method: clinical testing. Allele origin: germline.
Comment: This missense variant replaces glutamic acid with glutamine at codon 263 of the CHEK2 protein. Computational prediction suggests that this variant may not impact protein structure and function. Experimental studies in a yeast DNA damage response assay demonstrate normal repair activity (PMID: 30851065). This variant has been reported in individuals affected with breast cancer in the literature (PMID: 26976419, 35886069). This variant has been identified in 2/251158 chromosomes in the general population by the Genome Aggregation Database (gnomAD). The available evidence is insufficient to determine the role of this variant in disease conclusively. Therefore, this variant is classified as a Variant of Uncertain Significance.

Labcorp Genetics (formerly Invitae), Labcorp
Classification: Uncertain significance for Familial cancer of breast. Last evaluated: 2025-07-05. Review status: criteria provided, single submitter. Criteria: Invitae Variant Classification Sherloc (09022015). Collection method: clinical testing. Allele origin: germline.
Comment: This sequence change replaces glutamic acid, which is acidic and polar, with glutamine, which is neutral and polar, at codon 263 of the CHEK2 protein (p.Glu263Gln). This variant is present in population databases (rs730881686, gnomAD 0.003%). This missense change has been observed in individual(s) with breast cancer (PMID: 26976419, 35886069). ClinVar contains an entry for this variant (Variation ID: 182429). An algorithm developed to predict the effect of missense changes on protein structure and function (PolyPhen-2) suggests that this variant is likely to be tolerated. Experimental studies have shown that this missense change does not substantially affect CHEK2 function (PMID: 30851065). In summary, the available evidence is currently insufficient to determine the role of this variant in disease. Therefore, it has been classified as a Variant of Uncertain Significance.

Center for Genomic Medicine, Rigshospitalet, Copenhagen University Hospital
Classification: Uncertain significance. Last evaluated: 2025-03-04. Review status: criteria provided, single submitter. Criteria: ACMG Guidelines, 2015. Collection method: clinical testing. Allele origin: germline.

GeneDx
Classification: Uncertain significance. Last evaluated: 2024-11-19. Review status: criteria provided, single submitter. Criteria: GeneDx Variant Classification Process June 2021. Collection method: clinical testing. Allele origin: germline. Affected: yes.
Comment: Not observed at significant frequency in large population cohorts (gnomAD); In silico analysis indicates that this missense variant does not alter protein structure/function; This variant is associated with the following publications: (PMID: 26976419, 30851065, 37449874, 28779002, 35585550, 35886069, 19782031, 22419737)

Ambry Genetics
Classification: Uncertain significance for Hereditary cancer-predisposing syndrome. Last evaluated: 2024-08-20. Review status: criteria provided, single submitter. Criteria: Ambry Variant Classification Scheme 2023. Collection method: clinical testing. Allele origin: germline.
Comment: The p.E263Q variant (also known as c.787G>C), located in coding exon 5 of the CHEK2 gene, results from a G to C substitution at nucleotide position 787. The glutamic acid at codon 263 is replaced by glutamine, an amino acid with highly similar properties. This variant has been reported in a cohort of 488 patients with stages I to III breast cancer who were tested with a 25-gene panel test (Tung N et al. J. Clin. Oncol., 2016 May;34:1460-8), and also been reported in at least one subject in a study of 13087 breast cancer cases and 5488 control individuals in the UK (Decker B et al. J Med Genet, 2017 11;54:732-741). This variant was also detected in 1/104 cases of familial cancer patients in an Italian cohort (Paduano F et al. Genes (Basel), 2022 Jul;13). This variant behaved as functional in an in vivo, yeast-based growth rate assay (Delimitsou A et al. Hum. Mutat., 2019 05;40:631-648). This variant was also reported as functional in a study assessing CHEK2-complementation through quantification of KAP1 phosphorylation and CHK2 autophosphorylation in human RPE1-CHEK2-knockout cells (Stolarova L et al. Clin Cancer Res, 2023 Aug;29:3037-3050). This amino acid position is well conserved in available vertebrate species. In addition, the in silico prediction for this alteration is inconclusive. Based on the available evidence, the clinical significance of this variant remains unclear.

Institute for Biomarker Research, Medical Diagnostic Laboratories, L.L.C.
Classification: Uncertain significance for Hereditary cancer-predisposing syndrome. Last evaluated: 2024-03-05. Review status: criteria provided, single submitter. Criteria: ACMG Guidelines, 2015. Collection method: clinical testing. Allele origin: germline.

Literature cited by the submitters: PubMed 26976419 (cited by 3 submitters); PubMed 30851065 (cited by 3 submitters); PubMed 35886069 (cited by 3 submitters); PubMed 28779002 (cited by Ambry Genetics); PubMed 37449874 (cited by Ambry Genetics).